The following is an entry in ClinVar:

NM_001148.6(ANK2):c.5461G>A (p.Gly1821Arg)

Genes: ANK2 (ankyrin 2; plus strand), LOC126807136 (MED14-independent group 3 enhancer GRCh37_chr4:114274931-114276130; plus strand). Cytogenetic location: 4q26.
Variant type: single nucleotide variant.
Coding change: c.5461G>A on transcript NM_001148.6 (MANE Select); coding-DNA position 5461, G replaced by A.
Protein change: p.Gly1821Arg; replaces glycine 1821 with arginine.
Molecular consequence: missense variant. On other transcripts: intron variant (68).
Genome position (GRCh38, 1-based): chr4:113,354,079, G>A. VCF-style: chr4-113354079-G-A. GRCh37 (hg19) VCF-style: chr4-114275235-G-A.
Other names: c.5227G>A, p.Gly1743Arg (NM_001386142.1); c.1861G>A, p.Gly621Arg (NM_001386166.1); c.5602G>A, p.Gly1868Arg (NM_001386174.1); c.5578G>A, p.Gly1860Arg (NM_001386175.1); c.4411+3830G>A (NM_001386186.2, NM_001386148.2); c.4213+3830G>A (NM_001354269.3); c.4291+3830G>A (NM_001386187.2); c.4252+3830G>A (NM_001386147.1); and 35 more; short protein forms G1821R, G1743R, G1860R, G1868R, G621R.
Identifiers: ClinVar variation 949439 (VCV000949439.7), dbSNP rs2095583147, ClinGen allele CA357919693.

ClinVar aggregate classification (germline): Uncertain significance (1 of 4 stars; one submission).

Conditions:
Long QT syndrome (LQTS). Identifiers: MedGen C0023976, MeSH D008133, MONDO:0002442. Disease mechanism: loss of function. Inheritance: Various modes of inheritance.

Submission:

Labcorp Genetics (formerly Invitae), Labcorp
Classification: Uncertain significance for Long QT syndrome. Last evaluated: 2019-07-26. Review status: criteria provided, single submitter. Criteria: Invitae Variant Classification Sherloc (09022015). Collection method: clinical testing. Allele origin: germline.
Comment: This variant is not present in population databases (ExAC no frequency). This variant has not been reported in the literature in individuals with ANK2-related conditions. Algorithms developed to predict the effect of missense changes on protein structure and function (SIFT, PolyPhen-2, Align-GVGD) all suggest that this variant is likely to be tolerated, but these predictions have not been confirmed by published functional studies and their clinical significance is uncertain. This sequence change replaces glycine with arginine at codon 1821 of the ANK2 protein (p.Gly1821Arg). The glycine residue is weakly conserved and there is a moderate physicochemical difference between glycine and arginine. In summary, the available evidence is currently insufficient to determine the role of this variant in disease. Therefore, it has been classified as a Variant of Uncertain Significance.